The following is an entry in ClinVar:

ClinVar aggregate classification (germline): Uncertain significance. Review status: criteria provided, multiple submitters, no conflicts (2 of 4 stars). 3 submissions from 3 submitters: Uncertain significance (3). Last evaluated 2024-07-03.

Conditions:
GLI2-related disorder. Also called: GLI2-related condition; GLI2-related disorders.
Holoprosencephaly 9 (HPE9). Also called: HOLOPROSENCEPHALY WITH MICROPHTHALMIA AND FIRST BRANCHIAL ARCH ANOMALIES; PITUITARY ANOMALIES WITH HOLOPROSENCEPHALY-LIKE FEATURES. Identifiers: Orphanet 2162, MedGen C1835819, MONDO:0012563, OMIM 610829.
Postaxial polydactyly-anterior pituitary anomalies-facial dysmorphism syndrome. Also called: Culler-Jones syndrome. Identifiers: Orphanet 420584, MedGen C4014479, MONDO:0014369, OMIM 615849.

Allele frequency attached by ClinVar (database versions not stated): TOPMed 0.00001; gnomAD 0.00003 and 0.00001; ExAC 0.00001; ESP Exome Variant Server 0.00008.
gnomAD v4.1: 31 of 1,613,532 alleles (0.0019%); highest among the groups gnomAD compares: East Asian, 0.0067%; no homozygotes.

Submissions (3):

GeneDx
Classification: Uncertain significance. Last evaluated: 2024-07-03. Review status: criteria provided, single submitter. Criteria: GeneDx Variant Classification Process June 2021. Collection method: clinical testing. Allele origin: germline. Affected: yes.
Comment: Not observed at a significant frequency in large population cohorts (gnomAD); In silico analysis, which includes protein predictors and evolutionary conservation, supports a deleterious effect; Has not been previously published as pathogenic or benign to our knowledge

Labcorp Genetics (formerly Invitae), Labcorp
Classification: Uncertain significance for Postaxial polydactyly-anterior pituitary anomalies-facial dysmorphism syndrome; Holoprosencephaly 9. Last evaluated: 2024-04-10. Review status: criteria provided, single submitter. Criteria: Invitae Variant Classification Sherloc (09022015). Collection method: clinical testing. Allele origin: germline.
Comment: This sequence change replaces glutamic acid, which is acidic and polar, with lysine, which is basic and polar, at codon 380 of the GLI2 protein (p.Glu380Lys). This variant is present in population databases (rs374155310, gnomAD 0.003%). This variant has not been reported in the literature in individuals affected with GLI2-related conditions. ClinVar contains an entry for this variant (Variation ID: 989364). Advanced modeling of protein sequence and biophysical properties (such as structural, functional, and spatial information, amino acid conservation, physicochemical variation, residue mobility, and thermodynamic stability) has been performed at Invitae for this missense variant, however the output from this modeling did not meet the statistical confidence thresholds required to predict the impact of this variant on GLI2 protein function. In summary, the available evidence is currently insufficient to determine the role of this variant in disease. Therefore, it has been classified as a Variant of Uncertain Significance.

Illumina Laboratory Services, Illumina
Classification: Uncertain significance for GLI2-related disorders. Last evaluated: 2019-06-18. Review status: criteria provided, single submitter. Criteria: ICSLVariantClassificationCriteria RUGD 01 April 2020. Collection method: clinical testing. Allele origin: unknown.
Comment: The GLI2 c.1138G>A (p.Glu380Lys) variant is a missense variant. A literature search was performed for the gene, cDNA change, and amino acid change. No publications were found based on this search. This variant is found at a frequency of 0.000031 in the European (Non-Finnish) population of the Genome Aggregation Database. The Glu380 residue is located at the N-terminal repressor domain of the protein. Based on the limited evidence, the p.Glu380Lys variant is classified as a variant of uncertain significance for GLI2-related disorders.

NM_001374353.1(GLI2):c.1138G>A (p.Glu380Lys)

Gene: GLI2 (GLI family zinc finger 2; plus strand). Cytogenetic location: 2q14.2.
Variant type: single nucleotide variant.
Coding change: c.1138G>A on transcript NM_001374353.1 (MANE Select); coding-DNA position 1138, G replaced by A.
Protein change: p.Glu380Lys; replaces glutamic acid 380 with lysine.
Molecular consequence: missense variant.
Genome position (GRCh38, 1-based): chr2:120,972,019, G>A. VCF-style: chr2-120972019-G-A. GRCh37 (hg19) VCF-style: chr2-121729595-G-A.
Other names: c.1138G>A, p.Glu380Lys (NM_001371271.1, NM_005270.5); c.763G>A, p.Glu255Lys (NM_001374354.1); short protein forms E255K, E380K.
Identifiers: ClinVar variation 989364 (VCV000989364.9), dbSNP rs374155310, ClinGen allele CA1851784.